The following is an entry in ClinVar:

ClinVar aggregate classification (germline): Likely pathogenic (1 of 4 stars; one submission).

Conditions:
Xeroderma pigmentosum variant type. Also called: PHOTOSENSITIVITY WITH DEFECTIVE DNA SYNTHESIS; POLH-Related Xeroderma Pigmentosum; XERODERMA PIGMENTOSUM WITH NORMAL DNA REPAIR RATES. Identifiers: Orphanet 90342, MedGen C1848410, MONDO:0010214, OMIM 278750.

Submission:

3billion
Classification: Likely pathogenic for Xeroderma pigmentosum variant type. Last evaluated: 2022-01-03. Review status: criteria provided, single submitter. Criteria: ACMG Guidelines, 2015. Collection method: clinical testing. Allele origin: germline. Affected: yes. Observed: 1 homozygote.
Comment: Stop-gained (nonsense): predicted to result in a loss or disruption of normal protein function through protein truncation. The predicted truncated protein may be shortened by more than 10% (PVS1_S). The variant has been reported to be associated with POLH related disorder (PMID:11773631).It is not observed in the gnomAD v2.1.1 dataset (PM2_M). Therefore, this variant is classified as likely pathogenic according to the recommendation of ACMG/AMP guideline.

Literature cited by the submitters: PubMed 11773631.

NM_006502.3(POLH):c.1561C>T (p.Gln521Ter)

Gene: POLH (DNA polymerase eta; plus strand). Cytogenetic location: 6p21.1.
Variant type: single nucleotide variant.
Coding change: c.1561C>T on transcript NM_006502.3 (MANE Select); coding-DNA position 1561, C replaced by T.
Protein change: p.Gln521Ter; replaces glutamine 521 with a stop codon.
Molecular consequence: nonsense. On other transcripts: 3 prime UTR variant (1).
Genome position (GRCh38, 1-based): chr6:43,613,976, C>T. VCF-style: chr6-43613976-C-T. GRCh37 (hg19) VCF-style: chr6-43581713-C-T.
Other names: c.1189C>T, p.Gln397Ter (NM_001291969.2); c.*245C>T (NM_001291970.2); short protein forms Q397*, Q521*.
Identifiers: ClinVar variation 1333587 (VCV001333587.3), dbSNP rs2127821940, ClinGen allele CA364266642.